The following is an entry in ClinVar:

NC_000016.10:g.82626550G>T

Gene: CDH13 (cadherin 13; plus strand). Cytogenetic location: 16q23.3.
Variant type: single nucleotide variant.
Genome position: GRCh38 VCF-style: chr16-82626550-G-T. GRCh37 (hg19) VCF-style: chr16-82660155-G-T.
Identifiers: ClinVar variation 1241381 (VCV001241381.3), dbSNP rs12444338, ClinGen allele CA14229749.

ClinVar aggregate classification (germline): Benign (1 of 4 stars; one submission).

Allele frequency attached by ClinVar (database versions not stated): 1000 Genomes Project 30x 0.36508; 1000 Genomes Project 0.36961; TOPMed 0.40467.

Submission:

GeneDx
Classification: Benign. Last evaluated: 2021-06-18. Review status: criteria provided, single submitter. Criteria: GeneDx Variant Classification Process June 2021. Collection method: clinical testing. Allele origin: germline. Affected: yes.
Comment: This variant is associated with the following publications: (PMID: 20887962)